The following is an entry in ClinVar:

ClinVar aggregate classification (germline): Likely pathogenic (1 of 4 stars; one submission).

Conditions:
ALG3-congenital disorder of glycosylation. Also called: ALG3-CDG; CARBOHYDRATE-DEFICIENT GLYCOPROTEIN SYNDROME, TYPE IV; CDGS, TYPE IV; CONGENITAL DISORDER OF GLYCOSYLATION, TYPE Id; CDG Id. Identifiers: Orphanet 79321, MedGen C1832736, MONDO:0010998, OMIM 601110.

Submission:

Biochemistry and Genetic Laboratory, APHP Bichat Claude Bernard Hospital
Classification: Likely pathogenic for ALG3-congenital disorder of glycosylation. Last evaluated: 2015-11-05. Review status: criteria provided, single submitter. Criteria: ACMG Guidelines, 2015. Collection method: clinical testing. Allele origin: maternal. Inheritance: Autosomal recessive inheritance. Affected: yes. Observed: 1 compound heterozygote.
Comment: Transferinn profile indicate CDG type I and LLO profile indicate Man5GlcNAc2-PP-dolichol accumulation in favor of ALG3-CDG diagnosis. In summary, the two ALG3 variant meet ACMG criteria to be classified as pathogenic based upon absence from controls, computational and functional evidence.

NM_005787.6(ALG3):c.296+4A>G

Gene: ALG3 (ALG3 alpha-1,3- mannosyltransferase; minus strand). Cytogenetic location: 3q27.1.
Variant type: single nucleotide variant.
Coding change: c.296+4A>G on transcript NM_005787.6 (MANE Select); 4 bases into the intron after coding-DNA position 296, A replaced by G.
Molecular consequence: intron variant.
Genome position (GRCh38, 1-based): chr3:184,245,709, T>C on the plus strand (A>G on the coding strand, the complement: ALG3 is on the minus strand). VCF-style: chr3-184245709-T-C. GRCh37 (hg19) VCF-style: chr3-183963497-T-C.
Other names: c.152+4A>G (NM_001006941.2).
Identifiers: ClinVar variation 617514 (VCV000617514.3), dbSNP rs1560164682, ClinGen allele CA913190022.